The following is an entry in ClinVar:

NM_000171.4(GLRA1):c.1262T>C (p.Ile421Thr)

Gene: GLRA1 (glycine receptor alpha 1; minus strand). Cytogenetic location: 5q33.1.
Variant type: single nucleotide variant.
Coding change: c.1262T>C on transcript NM_000171.4 (MANE Select); coding-DNA position 1262, T replaced by C.
Protein change: p.Ile421Thr; replaces isoleucine 421 with threonine.
Molecular consequence: missense variant.
Genome position (GRCh38, 1-based): chr5:151,822,761, A>G on the plus strand (T>C on the coding strand, the complement: GLRA1 is on the minus strand). VCF-style: chr5-151822761-A-G. GRCh37 (hg19) VCF-style: chr5-151202322-A-G.
Other names: c.1286T>C, p.Ile429Thr (NM_001146040.2); c.1013T>C, p.Ile338Thr (NM_001292000.2); short protein forms I421T, I338T, I429T.
Identifiers: ClinVar variation 2919460 (VCV002919460.3), dbSNP rs769278491, ClinGen allele CA3523467.

ClinVar aggregate classification (germline): Uncertain significance (1 of 4 stars; one submission).

Conditions:
Hereditary hyperekplexia. Identifiers: Orphanet 3197, MedGen C4084968, MONDO:0021022.

Allele frequency attached by ClinVar (database versions not stated): TOPMed below 0.00001; gnomAD 0.00001; ExAC 0.00002.
gnomAD v4.1: 8 of 1,613,842 alleles (0.0005%); highest among the groups gnomAD compares: East Asian, 0.0045%; no homozygotes.

Submission:

Labcorp Genetics (formerly Invitae), Labcorp
Classification: Uncertain significance for Hereditary hyperekplexia. Last evaluated: 2023-03-02. Review status: criteria provided, single submitter. Criteria: Invitae Variant Classification Sherloc (09022015). Collection method: clinical testing. Allele origin: germline.
Comment: In summary, the available evidence is currently insufficient to determine the role of this variant in disease. Therefore, it has been classified as a Variant of Uncertain Significance. Advanced modeling of protein sequence and biophysical properties (such as structural, functional, and spatial information, amino acid conservation, physicochemical variation, residue mobility, and thermodynamic stability) has been performed at Invitae for this missense variant, however the output from this modeling did not meet the statistical confidence thresholds required to predict the impact of this variant on GLRA1 protein function. This variant has not been reported in the literature in individuals affected with GLRA1-related conditions. This variant is present in population databases (rs769278491, gnomAD 0.02%). This sequence change replaces isoleucine, which is neutral and non-polar, with threonine, which is neutral and polar, at codon 421 of the GLRA1 protein (p.Ile421Thr).